The following is an entry in ClinVar:

NM_005557.4(KRT16):c.1324G>T (p.Glu442Ter)

Gene: KRT16 (keratin 16; minus strand). Cytogenetic location: 17q21.2.
Variant type: single nucleotide variant.
Coding change: c.1324G>T on transcript NM_005557.4 (MANE Select); coding-DNA position 1324, G replaced by T.
Protein change: p.Glu442Ter; replaces glutamic acid 442 with a stop codon.
Molecular consequence: nonsense.
Genome position (GRCh38, 1-based): chr17:41,610,193, C>A on the plus strand (G>T on the coding strand, the complement: KRT16 is on the minus strand). VCF-style: chr17-41610193-C-A. GRCh37 (hg19) VCF-style: chr17-39766445-C-A.
Other names: short protein forms E442*.
Identifiers: ClinVar variation 3711250 (VCV003711250.1).

ClinVar aggregate classification (germline): Uncertain significance (1 of 4 stars; one submission).

gnomAD v4.1: 12 of 1,613,910 alleles (0.00074%); highest among the groups gnomAD compares: Middle Eastern, 0.033%; no homozygotes.

Submission:

Labcorp Genetics (formerly Invitae), Labcorp
Classification: Uncertain significance. Last evaluated: 2024-07-29. Review status: criteria provided, single submitter. Criteria: Invitae Variant Classification Sherloc (09022015). Collection method: clinical testing. Allele origin: germline.
Comment: This sequence change creates a premature translational stop signal (p.Glu442*) in the KRT16 gene. While this is not anticipated to result in nonsense mediated decay, it is expected to disrupt the last 32 amino acid(s) of the KRT16 protein. This variant is not present in population databases (gnomAD no frequency). This variant has not been reported in the literature in individuals affected with KRT16-related conditions. Experimental studies and prediction algorithms are not available or were not evaluated, and the functional significance of this variant is currently unknown. In summary, the available evidence is currently insufficient to determine the role of this variant in disease. Therefore, it has been classified as a Variant of Uncertain Significance.